The following is an entry in ClinVar:

NM_000051.4(ATM):c.6801C>T (p.Asn2267=)

Genes: ATM (ATM serine/threonine kinase; plus strand), C11orf65 (chromosome 11 open reading frame 65; minus strand). Cytogenetic location: 11q22.3.
Variant type: single nucleotide variant.
Coding change: c.6801C>T on transcript NM_000051.4 (MANE Select); coding-DNA position 6801, C replaced by T.
Protein change: p.Asn2267=; no amino-acid change (asparagine 2267 retained).
Molecular consequence: synonymous variant. On other transcripts: intron variant (2).
Genome position (GRCh38, 1-based): chr11:108,325,538, C>T. VCF-style: chr11-108325538-C-T. GRCh37 (hg19) VCF-style: chr11-108196265-C-T.
Other names: c.6801C>T, p.Asn2267= (NM_001351834.2); c.641-16467G>A (NM_001330368.2); c.*38+9682G>A (NM_001351110.2).
Identifiers: ClinVar variation 1113077 (VCV001113077.12), dbSNP rs1591130210, ClinGen allele CA476745618.

ClinVar aggregate classification (germline): Benign/Likely benign. Review status: criteria provided, multiple submitters, no conflicts (2 of 4 stars). 3 submissions from 3 submitters: Benign (1); Likely benign (2). Last evaluated 2024-06-10.

Conditions:
Familial cancer of breast. Also called: Hereditary breast cancer; hereditary breast carcinoma; BREAST CANCER, FAMILIAL. Identifiers: Orphanet 227535, MedGen C0346153, MONDO:0016419, OMIM 114480. Disease mechanism: loss of function.
Hereditary cancer-predisposing syndrome. Also called: Neoplastic Syndromes, Hereditary; Tumor predisposition; Hereditary Cancer Syndrome; Hereditary neoplastic syndrome. Identifiers: Orphanet 140162, MedGen C0027672, MeSH D009386, MONDO:0015356.
Ataxia-telangiectasia syndrome (AT). Also called: Ataxia telangiectasia (A-T); ATAXIA-TELANGIECTASIA, COMPLEMENTATION GROUP A; ATAXIA-TELANGIECTASIA, FRESNO VARIANT; Ataxia-telangiectasia; Ataxia-telangiectasia, complementation group E; LOUIS-BAR SYNDROME. Identifiers: Orphanet 100, MedGen C0004135, MONDO:0008840, OMIM 208900.

gnomAD v4.1: 4 of 1,598,316 alleles (0.00025%); highest among the groups gnomAD compares: Non-Finnish European, 0.00026%; no homozygotes.

Submissions (3):

Myriad Genetics, Inc.
Classification: Benign for Familial cancer of breast. Last evaluated: 2024-06-10. Review status: criteria provided, single submitter. Criteria: Myriad Autosomal Dominant, Autosomal Recessive and X-Linked Classification Criteria (2023). Collection method: clinical testing. Allele origin: unknown.
Comment: This variant is considered benign. This variant is a silent/synonymous amino acid change and it is not expected to impact splicing.

Labcorp Genetics (formerly Invitae), Labcorp
Classification: Likely benign for Ataxia-telangiectasia syndrome. Last evaluated: 2023-11-10. Review status: criteria provided, single submitter. Criteria: Invitae Variant Classification Sherloc (09022015). Collection method: clinical testing. Allele origin: germline.

Ambry Genetics
Classification: Likely benign for Hereditary cancer-predisposing syndrome. Last evaluated: 2023-02-16. Review status: criteria provided, single submitter. Criteria: Ambry Variant Classification Scheme 2023. Collection method: clinical testing. Allele origin: germline.